The following is an entry in ClinVar:

ClinVar aggregate classification (germline): Uncertain significance (1 of 4 stars; one submission).

Conditions:
Primary ciliary dyskinesia 6. Also called: Primary Ciliary Dyskinesia 6: TXNDC3-Related Primary Ciliary Dyskinesia. Identifiers: Orphanet 244, MedGen C1970506, MONDO:0012571, OMIM 610852.

gnomAD v4.1: 4 of 1,613,890 alleles (0.00025%); highest among the groups gnomAD compares: Non-Finnish European, 0.00034%; no homozygotes.

Submission:

Labcorp Genetics (formerly Invitae), Labcorp
Classification: Uncertain significance for Primary ciliary dyskinesia 6. Last evaluated: 2025-01-23. Review status: criteria provided, single submitter. Criteria: Invitae Variant Classification Sherloc (09022015). Collection method: clinical testing. Allele origin: germline.
Comment: This sequence change affects codon 560 of the NME8 mRNA. It is a 'silent' change, meaning that it does not change the encoded amino acid sequence of the NME8 protein. This variant is present in population databases (no rsID available, gnomAD 0.0009%). This variant has not been reported in the literature in individuals affected with NME8-related conditions. Algorithms developed to predict the effect of sequence changes on RNA splicing suggest that this variant may disrupt the consensus splice site. In summary, the available evidence is currently insufficient to determine the role of this variant in disease. Therefore, it has been classified as a Variant of Uncertain Significance.

NM_016616.5(NME8):c.1680A>G (p.Lys560=)

Gene: NME8 (NME/NM23 family member 8; plus strand). Cytogenetic location: 7p14.1.
Variant type: single nucleotide variant.
Coding change: c.1680A>G on transcript NM_016616.5 (MANE Select); coding-DNA position 1680, A replaced by G.
Protein change: p.Lys560=; no amino-acid change (lysine 560 retained).
Molecular consequence: synonymous variant.
Genome position (GRCh38, 1-based): chr7:37,897,005, A>G. VCF-style: chr7-37897005-A-G. GRCh37 (hg19) VCF-style: chr7-37936607-A-G.
Identifiers: ClinVar variation 3617638 (VCV003617638.2).